The following is an entry in ClinVar:

ClinVar aggregate classification (germline): Pathogenic/Likely pathogenic. Review status: criteria provided, multiple submitters, no conflicts (2 of 4 stars). 2 submissions from 2 submitters: Pathogenic (1); Likely pathogenic (1). Last evaluated 2022-12-09.

Conditions:
Nijmegen breakage syndrome-like disorder (NBSLD). Also called: MICROCEPHALY AND SPONTANEOUS CHROMOSOME INSTABILITY WITHOUT IMMUNODEFICIENCY; NBS-LIKE DISORDER; RAD50 DEFICIENCY. Identifiers: Orphanet 240760, MedGen C2751318, MONDO:0013118, OMIM 613078.
Hereditary cancer-predisposing syndrome. Also called: Tumor predisposition; Hereditary neoplastic syndrome; Hereditary Cancer Syndrome; Neoplastic Syndromes, Hereditary. Identifiers: Orphanet 140162, MedGen C0027672, MeSH D009386, MONDO:0015356.

Submissions (2):

Laboratorio de Genetica e Diagnostico Molecular, Hospital Israelita Albert Einstein
Classification: Likely pathogenic for Nijmegen breakage syndrome-like disorder. Last evaluated: 2022-12-09. Review status: criteria provided, single submitter. Criteria: ACMG Guidelines, 2015. Collection method: clinical testing. Allele origin: germline. Affected: yes.
Comment: ACMG classification criteria: PVS1 very strong, PM2 moderate

Labcorp Genetics (formerly Invitae), Labcorp
Classification: Pathogenic for Hereditary cancer-predisposing syndrome. Last evaluated: 2021-12-08. Review status: criteria provided, single submitter. Criteria: Invitae Variant Classification Sherloc (09022015). Collection method: clinical testing. Allele origin: germline.
Comment: ClinVar contains an entry for this variant (Variation ID: 1069196). This sequence change creates a premature translational stop signal (p.Gln923*) in the RAD50 gene. It is expected to result in an absent or disrupted protein product. Loss-of-function variants in RAD50 are known to be pathogenic (PMID: 19409520). This variant is not present in population databases (gnomAD no frequency). This variant has not been reported in the literature in individuals affected with RAD50-related conditions. For these reasons, this variant has been classified as Pathogenic.

Literature cited by the submitters: PubMed 19409520 (cited by Labcorp Genetics (formerly Invitae), Labcorp).

NM_005732.4(RAD50):c.2767C>T (p.Gln923Ter)

Gene: RAD50 (RAD50 double strand break repair protein; plus strand). Cytogenetic location: 5q31.1.
Variant type: single nucleotide variant.
Coding change: c.2767C>T on transcript NM_005732.4 (MANE Select); coding-DNA position 2767, C replaced by T.
Protein change: p.Gln923Ter; replaces glutamine 923 with a stop codon.
Molecular consequence: nonsense.
Genome position (GRCh38, 1-based): chr5:132,608,663, C>T. VCF-style: chr5-132608663-C-T. GRCh37 (hg19) VCF-style: chr5-131944355-C-T.
Other names: short protein forms Q923*.
Identifiers: ClinVar variation 1069196 (VCV001069196.8), dbSNP rs2149849418, ClinGen allele CA360958861.